The following is an entry in ClinVar:

NM_000929.3(PLA2G5):c.389A>T (p.Gln130Leu)

Gene: PLA2G5 (phospholipase A2 group V; plus strand). Cytogenetic location: 1p36.13.
Variant type: single nucleotide variant.
Coding change: c.389A>T on transcript NM_000929.3 (MANE Select); coding-DNA position 389, A replaced by T.
Protein change: p.Gln130Leu; replaces glutamine 130 with leucine.
Molecular consequence: missense variant.
Genome position (GRCh38, 1-based): chr1:20,090,664, A>T. VCF-style: chr1-20090664-A-T. GRCh37 (hg19) VCF-style: chr1-20417157-A-T.
Other names: short protein forms Q130L.
Identifiers: ClinVar variation 968864 (VCV000968864.7), dbSNP rs745908530, ClinGen allele CA658285.

ClinVar aggregate classification (germline): Uncertain significance (1 of 4 stars; one submission).

Allele frequency attached by ClinVar (database versions not stated): ExAC 0.00002; gnomAD 0.00002; gnomAD exomes 0.00002; TOPMed 0.00002.
gnomAD v4.1: 31 of 1,613,898 alleles (0.0019%); highest among the groups gnomAD compares: Non-Finnish European, 0.0024%; no homozygotes.

Submission:

Labcorp Genetics (formerly Invitae), Labcorp
Classification: Uncertain significance. Last evaluated: 2025-05-29. Review status: criteria provided, single submitter. Criteria: Invitae Variant Classification Sherloc (09022015). Collection method: clinical testing. Allele origin: germline.
Comment: This sequence change replaces glutamine, which is neutral and polar, with leucine, which is neutral and non-polar, at codon 130 of the PLA2G5 protein (p.Gln130Leu). This variant is present in population databases (rs745908530, gnomAD 0.004%). This variant has not been reported in the literature in individuals affected with PLA2G5-related conditions. ClinVar contains an entry for this variant (Variation ID: 968864). An algorithm developed to predict the effect of missense changes on protein structure and function (PolyPhen-2) suggests that this variant is likely to be tolerated. Algorithms developed to predict the effect of sequence changes on RNA splicing suggest that this variant may create or strengthen a splice site. In summary, the available evidence is currently insufficient to determine the role of this variant in disease. Therefore, it has been classified as a Variant of Uncertain Significance.